The following is an entry in ClinVar:

ClinVar aggregate classification (germline): Pathogenic (1 of 4 stars; one submission).

Allele frequency attached by ClinVar (database versions not stated): TOPMed below 0.00001.

Submission:

Labcorp Genetics (formerly Invitae), Labcorp
Classification: Pathogenic. Last evaluated: 2022-01-13. Review status: criteria provided, single submitter. Criteria: Invitae Variant Classification Sherloc (09022015). Collection method: clinical testing. Allele origin: germline.
Comment: ClinVar contains an entry for this variant (Variation ID: 1073264). For these reasons, this variant has been classified as Pathogenic. This variant has not been reported in the literature in individuals affected with CNGA1-related conditions. This variant is not present in population databases (gnomAD no frequency). This sequence change creates a premature translational stop signal (p.Cys39Leufs*6) in the CNGA1 gene. It is expected to result in an absent or disrupted protein product. Loss-of-function variants in CNGA1 are known to be pathogenic (PMID: 7479749, 25268133).

Literature cited by the submitters: PubMed 7479749; PubMed 25268133.

NM_001379270.1(CNGA1):c.103dup (p.Cys35fs)

Genes: CNGA1 (cyclic nucleotide gated channel subunit alpha 1; minus strand), LOC101927157 (uncharacterized LOC101927157; plus strand). Cytogenetic location: 4p12.
Variant type: Duplication.
Coding change: c.103dup on transcript NM_001379270.1 (MANE Select); coding-DNA position 103, one base duplicated (T; older notation c.103dupT).
Protein change: p.Cys35fs; shifts the reading frame from cysteine 35.
Molecular consequence: frameshift variant.
Genome position (GRCh38, 1-based): chr4:47,952,587, A duplicated on the plus strand (T on the coding strand, the reverse complement: CNGA1 is on the minus strand). VCF-style (leftmost placement, unchanged base first): chr4-47952586-C-CA. GRCh37 (hg19) VCF-style: chr4-47954603-C-CA.
Other names: c.103dup, p.Cys35fs (NM_000087.5, NM_001142564.2); short protein forms C35fs.
Identifiers: ClinVar variation 1073264 (VCV001073264.7), dbSNP rs1739811126, ClinGen allele CA1455558489.